The following is an entry in ClinVar:

NM_177438.3(DICER1):c.1835C>T (p.Pro612Leu)

Gene: DICER1 (dicer 1, ribonuclease III; minus strand). Cytogenetic location: 14q32.13.
Variant type: single nucleotide variant.
Coding change: c.1835C>T on transcript NM_177438.3 (MANE Select); coding-DNA position 1835, C replaced by T.
Protein change: p.Pro612Leu; replaces proline 612 with leucine.
Molecular consequence: missense variant.
Genome position (GRCh38, 1-based): chr14:95,115,739, G>A on the plus strand (C>T on the coding strand, the complement: DICER1 is on the minus strand). VCF-style: chr14-95115739-G-A. GRCh37 (hg19) VCF-style: chr14-95582076-G-A.
Other names: c.1835C>T, p.Pro612Leu (NM_001195573.1, NM_001271282.3, NM_001291628.2 and 1 more transcripts); c.1835C>T (NM_177438.2); short protein forms P612L.
Identifiers: ClinVar variation 1497294 (VCV001497294.10), dbSNP rs866407172, ClinGen allele CA265915487.

ClinVar aggregate classification (germline): Uncertain significance. Review status: criteria provided, multiple submitters, no conflicts (2 of 4 stars). 2 submissions from 2 submitters: Uncertain significance (2). Last evaluated 2024-10-11.

Conditions:
DICER1-related tumor predisposition. Also called: DICER1 syndrome; DICER1-related pleuropulmonary blastoma cancer predisposition syndrome. Identifiers: Orphanet 284343, MedGen C3839822, MONDO:0100216.
Hereditary cancer-predisposing syndrome. Also called: Tumor predisposition; Hereditary neoplastic syndrome; Neoplastic Syndromes, Hereditary; Hereditary Cancer Syndrome. Identifiers: Orphanet 140162, MedGen C0027672, MeSH D009386, MONDO:0015356.

Allele frequency attached by ClinVar (database versions not stated): gnomAD exomes below 0.00001.
gnomAD v4.1: 1 of 1,614,094 alleles (0.000062%); highest among the groups gnomAD compares: East Asian, 0.0022%; no homozygotes.

Submissions (2):

Ambry Genetics
Classification: Uncertain significance for Hereditary cancer-predisposing syndrome. Last evaluated: 2024-10-11. Review status: criteria provided, single submitter. Criteria: Ambry Variant Classification Scheme 2023. Collection method: clinical testing. Allele origin: germline.
Comment: The p.P612L variant (also known as c.1835C>T), located in coding exon 10 of the DICER1 gene, results from a C to T substitution at nucleotide position 1835. The proline at codon 612 is replaced by leucine, an amino acid with similar properties. This amino acid position is conserved. In addition, the in silico prediction for this alteration is inconclusive. Based on the available evidence, the clinical significance of this variant remains unclear.

Labcorp Genetics (formerly Invitae), Labcorp
Classification: Uncertain significance for DICER1-related tumor predisposition. Last evaluated: 2024-09-12. Review status: criteria provided, single submitter. Criteria: Invitae Variant Classification Sherloc (09022015). Collection method: clinical testing. Allele origin: germline.
Comment: This sequence change replaces proline, which is neutral and non-polar, with leucine, which is neutral and non-polar, at codon 612 of the DICER1 protein (p.Pro612Leu). This variant is not present in population databases (gnomAD no frequency). This variant has not been reported in the literature in individuals affected with DICER1-related conditions. ClinVar contains an entry for this variant (Variation ID: 1497294). Invitae Evidence Modeling of protein sequence and biophysical properties (such as structural, functional, and spatial information, amino acid conservation, physicochemical variation, residue mobility, and thermodynamic stability) indicates that this missense variant is not expected to disrupt DICER1 protein function with a negative predictive value of 80%. In summary, the available evidence is currently insufficient to determine the role of this variant in disease. Therefore, it has been classified as a Variant of Uncertain Significance.